The following is an entry in ClinVar:

ClinVar aggregate classification (germline): Likely benign. Review status: criteria provided, multiple submitters, no conflicts (2 of 4 stars). 7 submissions from 6 submitters: Likely benign (7). Last evaluated 2026-03-24.

Conditions:
Autosomal dominant nocturnal frontal lobe epilepsy 5. Also called: CILIARY DYSKINESIA, PRIMARY, 28, WITHOUT SITUS INVERSUS; CILIARY DYSKINESIA, PRIMARY, 28, WITH SITUS INVERSUS; KCNT1-Related Epilepsy; Epilepsy, nocturnal frontal lobe, 5. Identifiers: Orphanet 98784, MedGen C3554306, MONDO:0014002, OMIM 615005.
Developmental and epileptic encephalopathy, 14 (DEE14). Also called: Early infantile epileptic encephalopathy 14. Identifiers: Orphanet 293181, MedGen C3554195, MONDO:0013989, OMIM 614959.

Allele frequency attached by ClinVar (database versions not stated): gnomAD 0.00007; gnomAD exomes 0.00009; TOPMed 0.00009; ExAC 0.00011.

Submissions (7):

Women's Health and Genetics/Laboratory Corporation of America, LabCorp
Classification: Likely benign. Last evaluated: 2026-03-24. Review status: criteria provided, single submitter. Criteria: LabCorp Variant Classification Summary - May 2015. Collection method: clinical testing. Allele origin: germline.

Labcorp Genetics (formerly Invitae), Labcorp
Classification: Likely benign for Autosomal dominant nocturnal frontal lobe epilepsy 5; Developmental and epileptic encephalopathy, 14. Last evaluated: 2025-12-13. Review status: criteria provided, single submitter. Criteria: Invitae Variant Classification Sherloc (09022015). Collection method: clinical testing. Allele origin: germline.

CeGaT Center for Human Genetics Tuebingen
Classification: Likely benign. Last evaluated: 2025-08-01. Review status: criteria provided, single submitter. Criteria: CeGaT Center For Human Genetics Tuebingen Variant Classification Criteria Version 2. Collection method: clinical testing. Allele origin: germline. Affected: yes. Observed: 1 variant allele.
Comment: KCNT1: BP4, BS2

Blueprint Genetics
Classification: Likely benign. Last evaluated: 2024-09-16. Review status: criteria provided, single submitter. Criteria: ACMG Guidelines, 2015. Collection method: clinical testing. Allele origin: germline.

Genome-Nilou Lab
Classification: Likely benign for Developmental and epileptic encephalopathy, 14. Last evaluated: 2022-03-15. Review status: criteria provided, single submitter. Criteria: ACMG Guidelines, 2015. Collection method: clinical testing. Allele origin: germline. Affected: no.

Genome-Nilou Lab
Classification: Likely benign for Autosomal dominant nocturnal frontal lobe epilepsy 5. Last evaluated: 2022-03-15. Review status: criteria provided, single submitter. Criteria: ACMG Guidelines, 2015. Collection method: clinical testing. Allele origin: germline. Affected: no.

GeneDx
Classification: Likely benign. Last evaluated: 2020-01-08. Review status: criteria provided, single submitter. Criteria: GeneDx Variant Classification Process June 2021. Collection method: clinical testing. Allele origin: germline. Affected: yes.

NM_020822.3(KCNT1):c.1036-12T>G

Gene: KCNT1 (potassium sodium-activated channel subfamily T member 1; plus strand). Cytogenetic location: 9q34.3.
Variant type: single nucleotide variant.
Coding change: c.1036-12T>G on transcript NM_020822.3 (MANE Select); 12 bases into the intron before coding-DNA position 1036, T replaced by G.
Molecular consequence: intron variant.
Genome position (GRCh38, 1-based): chr9:135,765,019, T>G. VCF-style: chr9-135765019-T-G. GRCh37 (hg19) VCF-style: chr9-138656865-T-G.
Other names: c.901-12T>G (NM_001272003.2).
Identifiers: ClinVar variation 384384 (VCV000384384.21), dbSNP rs113079797, ClinGen allele CA5326754.